The following is an entry in ClinVar:

ClinVar aggregate classification (germline): Uncertain significance. Review status: criteria provided, multiple submitters, no conflicts (2 of 4 stars). 3 submissions from 3 submitters: Uncertain significance (3). Last evaluated 2025-05-01.

Conditions:
Inborn genetic diseases. Identifiers: MedGen C0950123, MeSH D030342.
Progressive myoclonic epilepsy. Also called: Myoclonus epilepsy; Progressive myoclonus epilepsy; Myoclonic Epilepsies, Progressive; Familial progressive myoclonic epilepsy. Identifiers: Orphanet 308, Orphanet 98261, MedGen C0751778, MONDO:0020074.

Allele frequency attached by ClinVar (database versions not stated): gnomAD exomes 0.00001 and 0.00003; TOPMed 0.00003; ExAC 0.00004; gnomAD 0.00004 and 0.00005; ESP Exome Variant Server 0.00015.
gnomAD v4.1: 19 of 1,613,906 alleles (0.0012%); highest among the groups gnomAD compares: East Asian, 0.018%; no homozygotes.

Submissions (3):

GeneDx
Classification: Uncertain significance. Last evaluated: 2025-05-01. Review status: criteria provided, single submitter. Criteria: GeneDx Variant Classification Process June 2021. Collection method: clinical testing. Allele origin: germline. Affected: yes.
Comment: In silico analysis supports that this missense variant has a deleterious effect on protein structure/function; Has not been previously published as pathogenic or benign to our knowledge

Labcorp Genetics (formerly Invitae), Labcorp
Classification: Uncertain significance for Progressive myoclonic epilepsy. Last evaluated: 2022-05-25. Review status: criteria provided, single submitter. Criteria: Invitae Variant Classification Sherloc (09022015). Collection method: clinical testing. Allele origin: germline.
Comment: This sequence change replaces glutamic acid, which is acidic and polar, with lysine, which is basic and polar, at codon 183 of the GOSR2 protein (p.Glu183Lys). This variant is present in population databases (rs144472114, gnomAD 0.02%). This variant has not been reported in the literature in individuals affected with GOSR2-related conditions. ClinVar contains an entry for this variant (Variation ID: 1218275). Algorithms developed to predict the effect of missense changes on protein structure and function are either unavailable or do not agree on the potential impact of this missense change (SIFT: "Deleterious"; PolyPhen-2: "Possibly Damaging"; Align-GVGD: "Class C15"). In summary, the available evidence is currently insufficient to determine the role of this variant in disease. Therefore, it has been classified as a Variant of Uncertain Significance.

Ambry Genetics
Classification: Uncertain significance for Inborn genetic diseases. Last evaluated: 2020-06-08. Review status: criteria provided, single submitter. Criteria: Ambry Variant Classification Scheme 2023. Collection method: clinical testing. Allele origin: germline.
Comment: The p.E183K variant (also known as c.547G>A), located in coding exon 6 of the GOSR2 gene, results from a G to A substitution at nucleotide position 547. The glutamic acid at codon 183 is replaced by lysine, an amino acid with similar properties. This amino acid position is highly conserved in available vertebrate species. In addition, this alteration is predicted to be deleterious by in silico analysis. Since supporting evidence is limited at this time, the clinical significance of this alteration remains unclear.

NM_004287.5(GOSR2):c.547G>A (p.Glu183Lys)

Genes: LRRC37A2 (leucine rich repeat containing 37 member A2), GOSR2 (golgi SNAP receptor complex member 2; plus strand). Cytogenetic location: 17q21.32.
Variant type: single nucleotide variant.
Coding change: c.547G>A on transcript NM_004287.5 (MANE Select); coding-DNA position 547, G replaced by A.
Protein change: p.Glu183Lys; replaces glutamic acid 183 with lysine.
Molecular consequence: missense variant. On other transcripts: non-coding transcript variant (3).
Genome position (GRCh38, 1-based): chr17:46,938,668, G>A. VCF-style: chr17-46938668-G-A. GRCh37 (hg19) VCF-style: chr17-45016034-G-A.
Other names: c.547G>A, p.Glu183Lys (NM_001321133.2, NM_054022.4); c.352G>A, p.Glu118Lys (NM_001321134.2); c.406G>A, p.Glu136Lys (NM_001330252.2); c.544G>A, p.Glu182Lys (NM_001353114.2); c.403G>A, p.Glu135Lys (NM_001353115.2, NM_001353116.2); c.493G>A, p.Glu165Lys (NM_001363851.2); short protein forms E118K, E135K, E136K, E165K, E182K, E183K.
Identifiers: ClinVar variation 1218275 (VCV001218275.8), dbSNP rs144472114, ClinGen allele CA8621353.